The following is an entry in ClinVar:

NM_032977.4(CASP10):c.791T>C (p.Leu264Pro)

Gene: CASP10 (caspase 10; plus strand). Cytogenetic location: 2q33.1.
Variant type: single nucleotide variant.
Coding change: c.791T>C on transcript NM_032977.4 (MANE Select); coding-DNA position 791, T replaced by C.
Protein change: p.Leu264Pro; replaces leucine 264 with proline.
Molecular consequence: missense variant. On other transcripts: intron variant (4).
Genome position (GRCh38, 1-based): chr2:201,205,951, T>C. VCF-style: chr2-201205951-T-C. GRCh37 (hg19) VCF-style: chr2-202070674-T-C.
Other names: c.791T>C, p.Leu264Pro (NM_032974.5); c.685-2124T>C (NM_001206542.2, NM_001230.5); c.722-2124T>C (NM_032976.4); c.721+2185T>C (NM_001206524.2); short protein forms L264P.
Identifiers: ClinVar variation 1715592 (VCV001715592.6), dbSNP rs1302914529, ClinGen allele CA350284345.

ClinVar aggregate classification (germline): Uncertain significance. Review status: criteria provided, multiple submitters, no conflicts (2 of 4 stars). 2 submissions from 2 submitters: Uncertain significance (2). Last evaluated 2024-10-14.

Conditions:
Autoimmune lymphoproliferative syndrome type 2A (ALPS2A). Also called: CASP10-Related Autoimmune Lymphoproliferative Syndrome; AUTOIMMUNE LYMPHOPROLIFERATIVE SYNDROME, TYPE IIA; Autoimmune lymphoproliferative syndrome type 2. Identifiers: Orphanet 3261, MedGen C1858968, MONDO:0011383, OMIM 603909.

Allele frequency attached by ClinVar (database versions not stated): gnomAD exomes below 0.00001.
gnomAD v4.1: 4 of 1,612,464 alleles (0.00025%); highest among the groups gnomAD compares: Non-Finnish European, 0.00034%; no homozygotes.

Submissions (2):

Blueprint Genetics
Classification: Uncertain significance. Last evaluated: 2024-10-14. Review status: criteria provided, single submitter. Criteria: ACMG Guidelines, 2015. Collection method: clinical testing. Allele origin: germline.

Labcorp Genetics (formerly Invitae), Labcorp
Classification: Uncertain significance for Autoimmune lymphoproliferative syndrome type 2A. Last evaluated: 2022-07-15. Review status: criteria provided, single submitter. Criteria: Invitae Variant Classification Sherloc (09022015). Collection method: clinical testing. Allele origin: germline.
Comment: Algorithms developed to predict the effect of sequence changes on RNA splicing suggest that this variant may create or strengthen a splice site. In summary, the available evidence is currently insufficient to determine the role of this variant in disease. Therefore, it has been classified as a Variant of Uncertain Significance. Algorithms developed to predict the effect of missense changes on protein structure and function output the following: SIFT: "Tolerated"; PolyPhen-2: "Benign"; Align-GVGD: "Class C0". The proline amino acid residue is found in multiple mammalian species, which suggests that this missense change does not adversely affect protein function. This sequence change replaces leucine, which is neutral and non-polar, with proline, which is neutral and non-polar, at codon 264 of the CASP10 protein (p.Leu264Pro). This variant is present in population databases (no rsID available, gnomAD 0.0009%). This variant has not been reported in the literature in individuals affected with CASP10-related conditions.